The following is an entry in ClinVar:

ClinVar aggregate classification (germline): Uncertain significance. Review status: criteria provided, multiple submitters, no conflicts (2 of 4 stars). 2 submissions from 2 submitters: Uncertain significance (2). Last evaluated 2025-12-23.

Allele frequency attached by ClinVar (database versions not stated): gnomAD exomes 0.00001; ExAC 0.00004; gnomAD 0.00013; TOPMed 0.00014; ESP Exome Variant Server 0.00015; 1000 Genomes Project 30x 0.00078; 1000 Genomes Project 0.00080.
gnomAD v4.1: 28 of 1,613,928 alleles (0.0017%); highest among the groups gnomAD compares: African/African-American, 0.035%; 1 homozygote.

Submissions (2):

Labcorp Genetics (formerly Invitae), Labcorp
Classification: Uncertain significance. Last evaluated: 2025-12-23. Review status: criteria provided, single submitter. Criteria: Invitae Variant Classification Sherloc (09022015). Collection method: clinical testing. Allele origin: germline.
Comment: This sequence change replaces serine, which is neutral and polar, with arginine, which is basic and polar, at codon 647 of the CEP97 protein (p.Ser647Arg). This variant is present in population databases (rs142995579, gnomAD 0.03%). This variant has not been reported in the literature in individuals affected with CEP97-related conditions. ClinVar contains an entry for this variant (Variation ID: 2162787). Invitae Evidence Modeling of protein sequence and biophysical properties (such as structural, functional, and spatial information, amino acid conservation, physicochemical variation, residue mobility, and thermodynamic stability) indicates that this missense variant is not expected to disrupt CEP97 protein function with a negative predictive value of 80%. In summary, the available evidence is currently insufficient to determine the role of this variant in disease. Therefore, it has been classified as a Variant of Uncertain Significance.

Ambry Genetics
Classification: Uncertain significance. Last evaluated: 2025-08-31. Review status: criteria provided, single submitter. Criteria: Ambry Variant Classification Scheme 2023. Collection method: clinical testing. Allele origin: germline.

NM_024548.4(CEP97):c.1941T>G (p.Ser647Arg)

Gene: CEP97 (centrosomal protein 97; plus strand). Cytogenetic location: 3q12.3.
Variant type: single nucleotide variant.
Coding change: c.1941T>G on transcript NM_024548.4 (MANE Select); coding-DNA position 1941, T replaced by G.
Protein change: p.Ser647Arg; replaces serine 647 with arginine.
Molecular consequence: missense variant.
Genome position (GRCh38, 1-based): chr3:101,764,894, T>G. VCF-style: chr3-101764894-T-G. GRCh37 (hg19) VCF-style: chr3-101483738-T-G.
Other names: c.1764T>G, p.Ser588Arg (NM_001303401.2); c.1839T>G, p.Ser613Arg (NM_001410784.1); c.1662T>G, p.Ser554Arg (NM_001410785.1); c.1941T>G (NM_024548.2); short protein forms S554R, S588R, S613R, S647R.
Identifiers: ClinVar variation 2162787 (VCV002162787.5), dbSNP rs142995579, ClinGen allele CA2522246.